The following is an entry in ClinVar:

ClinVar aggregate classification (germline): Uncertain significance (1 of 4 stars; one submission).

Conditions:
Neuropathy, hereditary sensory, type 1F. Also called: Hereditary sensory neuropathy type IF; HSN IF. Identifiers: Orphanet 36386, MedGen C3810194, MONDO:0014286, OMIM 615632.

Submission:

Labcorp Genetics (formerly Invitae), Labcorp
Classification: Uncertain significance for Neuropathy, hereditary sensory, type 1F. Last evaluated: 2025-03-10. Review status: criteria provided, single submitter. Criteria: Invitae Variant Classification Sherloc (09022015). Collection method: clinical testing. Allele origin: germline.
Comment: This sequence change replaces isoleucine, which is neutral and non-polar, with threonine, which is neutral and polar, at codon 178 of the ATL3 protein (p.Ile178Thr). This variant is not present in population databases (gnomAD no frequency). This variant has not been reported in the literature in individuals affected with ATL3-related conditions. ClinVar contains an entry for this variant (Variation ID: 1004245). Invitae Evidence Modeling of protein sequence and biophysical properties (such as structural, functional, and spatial information, amino acid conservation, physicochemical variation, residue mobility, and thermodynamic stability) indicates that this missense variant is expected to disrupt ATL3 protein function with a positive predictive value of 80%. In summary, the available evidence is currently insufficient to determine the role of this variant in disease. Therefore, it has been classified as a Variant of Uncertain Significance.

NM_015459.5(ATL3):c.533T>C (p.Ile178Thr)

Genes: ATL3 (atlastin GTPase 3; minus strand), LNCROPM (lncRNA regulator of PLAAT3 mediated phospholipid metabolism; plus strand). Cytogenetic location: 11q13.1.
Variant type: single nucleotide variant.
Coding change: c.533T>C on transcript NM_015459.5 (MANE Select); coding-DNA position 533, T replaced by C.
Protein change: p.Ile178Thr; replaces isoleucine 178 with threonine.
Molecular consequence: missense variant.
Genome position (GRCh38, 1-based): chr11:63,651,964, A>G on the plus strand (T>C on the coding strand, the complement: ATL3 is on the minus strand). VCF-style: chr11-63651964-A-G. GRCh37 (hg19) VCF-style: chr11-63419436-A-G.
Other names: c.479T>C, p.Ile160Thr (NM_001290048.2); short protein forms I160T, I178T.
Identifiers: ClinVar variation 1004245 (VCV001004245.8), dbSNP rs1940092201, ClinGen allele CA381027005.